The following is an entry in ClinVar:

ClinVar aggregate classification (germline): Likely pathogenic. Review status: criteria provided, single submitter (1 of 4 stars). 2 submissions from 2 submitters: Likely pathogenic (1). 1 of the submissions does not count toward it. Last evaluated 2025-02-27.

Conditions:
MEND syndrome (MEND). Also called: MALE EBP DISORDER WITH NEUROLOGIC DEFECTS. Identifiers: Orphanet 401973, MedGen C4085243, MONDO:0010498, OMIM 300960.

Submissions (2):

GeneDx
Classification: Likely pathogenic. Last evaluated: 2025-02-27. Review status: criteria provided, single submitter. Criteria: GeneDx Variant Classification Process June 2021. Collection method: clinical testing. Allele origin: germline. Affected: yes.
Comment: In silico analysis supports that this missense variant has a deleterious effect on protein structure/function; Not observed at significant frequency in large population cohorts (gnomAD); This variant is associated with the following publications: (PMID: 31397093, 25566323, 24700572, 23307567)

OMIM
Classification: Pathogenic for MEND SYNDROME. Last evaluated: 2014-07-01. Review status: no assertion criteria provided. Collection method: literature only. Allele origin: germline. Not counted in ClinVar's aggregate classification.

Literature cited by the submitters: PubMed 23307567 (cited by OMIM); PubMed 24700572 (cited by OMIM).

NM_006579.3(EBP):c.224T>A (p.Ile75Asn)

Gene: EBP (EBP cholestenol delta-isomerase; plus strand). Cytogenetic location: Xp11.23.
Variant type: single nucleotide variant.
Coding change: c.224T>A on transcript NM_006579.3 (MANE Select); coding-DNA position 224, T replaced by A.
Protein change: p.Ile75Asn; replaces isoleucine 75 with asparagine.
Molecular consequence: missense variant.
Genome position (GRCh38, 1-based): chrX:48,523,995, T>A. VCF-style: chrX-48523995-T-A. GRCh37 (hg19) VCF-style: chrX-48382383-T-A.
Other names: c.224T>A (NM_006579.2); short protein forms I75N.
Identifiers: ClinVar variation 209039 (VCV000209039.2), dbSNP rs797045153, ClinGen allele CA204966.
Genomic context (GRCh38, chrX:48,523,995, plus strand): 5'-TTGTCCCATTGGGGACTTGGCGGCGACTGTCCCTGTGCTGGTTTGCAGTGTGTGGGTTCA[T>A]TCACCTGGTGATCGAGGGCTGGTTCGTTCTCTACTACGAAGACCTGCTTGGAGACCAAGC-3'
Protein context (NP_006570.1, residues 65-85): SLCWFAVCGF[Ile75Asn]HLVIEGWFVL